The following is an entry in ClinVar:

NM_001374736.1(DST):c.18526G>A (p.Ala6176Thr)

Gene: DST (dystonin; minus strand). Cytogenetic location: 6p12.1.
Variant type: single nucleotide variant.
Coding change: c.18526G>A on transcript NM_001374736.1 (MANE Select); coding-DNA position 18526, G replaced by A.
Protein change: p.Ala6176Thr; replaces alanine 6176 with threonine.
Molecular consequence: missense variant.
Genome position (GRCh38, 1-based): chr6:56,515,500, C>T on the plus strand (G>A on the coding strand, the complement: DST is on the minus strand). VCF-style: chr6-56515500-C-T. GRCh37 (hg19) VCF-style: chr6-56380298-C-T.
Other names: c.12169G>A, p.Ala4057Thr (NM_001144769.5); c.11755G>A, p.Ala3919Thr (NM_001144770.2); c.18526G>A, p.Ala6176Thr (NM_001374722.1); c.17566G>A, p.Ala5856Thr (NM_001374729.1); c.11308G>A, p.Ala3770Thr (NM_001374730.1); c.18553G>A, p.Ala6185Thr (NM_001374734.1); c.10657G>A, p.Ala3553Thr (NM_015548.5); c.11635G>A, p.Ala3879Thr (NM_183380.4); and 1 more; short protein forms A3553T, A5856T, A6185T, A3770T, A3879T, A3919T, A4057T, A6176T.
Identifiers: ClinVar variation 965316 (VCV000965316.31), dbSNP rs540680338, ClinGen allele CA3867193.

ClinVar aggregate classification (germline): Uncertain significance. Review status: criteria provided, multiple submitters, no conflicts (2 of 4 stars). 4 submissions from 4 submitters: Uncertain significance (4). Last evaluated 2025-12-30.

Conditions:
DST-related disorder. Also called: DST-related disorders; DST-related condition.
Hereditary sensory and autonomic neuropathy type 6. Also called: Neuropathy, hereditary sensory and autonomic, type VI; HSAN VI. Identifiers: Orphanet 314381, MedGen C3539003, MONDO:0013839, OMIM 614653.
Epidermolysis bullosa simplex 3, localized or generalized intermediate, with BP230 deficiency (EBS3). Also called: Epidermolysis bullosa simplex, autosomal recessive 2; Epidermolysis bullosa simplex due to BP230 deficiency. Identifiers: Orphanet 412181, MedGen C3809470, MONDO:0014180, OMIM 615425.

Allele frequency attached by ClinVar (database versions not stated): TOPMed 0.00003; gnomAD exomes 0.00005; gnomAD 0.00006; ExAC 0.00008; 1000 Genomes Project 0.00020; 1000 Genomes Project 30x 0.00031.
gnomAD v4.1: 68 of 1,613,816 alleles (0.0042%); highest among the groups gnomAD compares: Middle Eastern, 0.05%; no homozygotes.

Submissions (4):

PreventionGenetics, part of Exact Sciences
Classification: Uncertain significance for DST-related condition. Last evaluated: 2025-12-30. Review status: criteria provided, single submitter. Criteria: ACMG Guidelines, 2015. Collection method: clinical testing. Allele origin: germline.
Comment: The DST c.12169G>A variant is predicted to result in the amino acid substitution p.Ala4057Thr. To our knowledge, this variant has not been reported in the literature. This variant is reported in 0.024% of alleles in individuals of European (Finnish) descent in gnomAD. At this time, the clinical significance of this variant is uncertain due to the absence of conclusive functional and genetic evidence.

CeGaT Center for Human Genetics Tuebingen
Classification: Uncertain significance. Last evaluated: 2024-01-01. Review status: criteria provided, single submitter. Criteria: CeGaT Center For Human Genetics Tuebingen Variant Classification Criteria Version 2. Collection method: clinical testing. Allele origin: germline. Affected: yes. Observed: 1 variant allele.
Comment: DST: PM2, BP4

Baylor Genetics
Classification: Uncertain significance for Epidermolysis bullosa simplex 3, localized or generalized intermediate, with BP230 deficiency. Last evaluated: 2021-12-30. Review status: criteria provided, single submitter. Criteria: ACMG Guidelines, 2015. Collection method: clinical testing. Allele origin: unknown.

Labcorp Genetics (formerly Invitae), Labcorp
Classification: Uncertain significance for Epidermolysis bullosa simplex 3, localized or generalized intermediate, with BP230 deficiency; Hereditary sensory and autonomic neuropathy type 6. Last evaluated: 2021-04-14. Review status: criteria provided, single submitter. Criteria: Invitae Variant Classification Sherloc (09022015). Collection method: clinical testing. Allele origin: germline.
Comment: This sequence change replaces alanine with threonine at codon 3553 of the DST protein (p.Ala3553Thr). The DST gene has multiple clinically relevant transcripts. This variant occurs in alternate transcript NM_015548.4, and corresponds to NM_001723.5:c.*100017G>A in the primary transcript. This variant is present in population databases (rs540680338, ExAC 0.03%). This variant has not been reported in the literature in individuals with DST-related conditions. Algorithms developed to predict the effect of missense changes on protein structure and function are either unavailable or do not agree on the potential impact of this missense change (SIFT: "Not Available"; PolyPhen-2: "Not Available"; Align-GVGD: "Not Available"). In summary, the available evidence is currently insufficient to determine the role of this variant in disease. Therefore, it has been classified as a Variant of Uncertain Significance.